The following is an entry in ClinVar:

NM_000235.4(LIPA):c.1031A>G (p.His344Arg)

Gene: LIPA (lipase A, lysosomal acid type; minus strand). Cytogenetic location: 10q23.31.
Variant type: single nucleotide variant.
Coding change: c.1031A>G on transcript NM_000235.4 (MANE Select); coding-DNA position 1031, A replaced by G.
Protein change: p.His344Arg; replaces histidine 344 with arginine.
Molecular consequence: missense variant.
Genome position (GRCh38, 1-based): chr10:89,214,997, T>C on the plus strand (A>G on the coding strand, the complement: LIPA is on the minus strand). VCF-style: chr10-89214997-T-C. GRCh37 (hg19) VCF-style: chr10-90974754-T-C.
Other names: c.1031A>G, p.His344Arg (NM_001127605.3); c.683A>G, p.His228Arg (NM_001288979.2); short protein forms H344R, H228R.
Identifiers: ClinVar variation 2149212 (VCV002149212.1), dbSNP rs758500611, ClinGen allele CA5593524.

ClinVar aggregate classification (germline): Uncertain significance (1 of 4 stars; one submission).

Conditions:
Wolman disease (WOLD). Also called: Acid cholesteryl ester hydrolase deficiency, Wolman type; Acid lipase disease; LYSOSOMAL ACID LIPASE DEFICIENCY, ACUTE INFANTILE; LYSOSOMAL ACID LIPASE DEFICIENCY, COMPLETE; LIPA DEFICIENCY, COMPLETE; LAL DEFICIENCY, COMPLETE. Identifiers: Orphanet 75233, MedGen C0043208, MONDO:0019148, OMIM 620151.

Allele frequency attached by ClinVar (database versions not stated): gnomAD exomes below 0.00001; gnomAD 0.00004; ExAC 0.00001; TOPMed 0.00006.
gnomAD v4.1: 9 of 1,614,080 alleles (0.00056%); highest among the groups gnomAD compares: African/African-American, 0.0053%; no homozygotes.

Submission:

Labcorp Genetics (formerly Invitae), Labcorp
Classification: Uncertain significance for Wolman disease. Last evaluated: 2022-10-13. Review status: criteria provided, single submitter. Criteria: Invitae Variant Classification Sherloc (09022015). Collection method: clinical testing. Allele origin: germline.
Comment: This sequence change replaces histidine, which is basic and polar, with arginine, which is basic and polar, at codon 344 of the LIPA protein (p.His344Arg). The frequency data for this variant in the population databases is considered unreliable, as metrics indicate poor data quality at this position in the gnomAD database. This variant has not been reported in the literature in individuals affected with LIPA-related conditions. Advanced modeling of protein sequence and biophysical properties (such as structural, functional, and spatial information, amino acid conservation, physicochemical variation, residue mobility, and thermodynamic stability) performed at Invitae indicates that this missense variant is not expected to disrupt LIPA protein function. In summary, the available evidence is currently insufficient to determine the role of this variant in disease. Therefore, it has been classified as a Variant of Uncertain Significance.